The following is an entry in ClinVar:

NM_177438.3(DICER1):c.4050+1del

Gene: DICER1 (dicer 1, ribonuclease III; minus strand). Cytogenetic location: 14q32.13.
Variant type: Deletion.
Coding change: c.4050+1del on transcript NM_177438.3 (MANE Select); the canonical splice donor site of the intron after coding-DNA position 4050, one base deleted (G; older notation c.4050+1delG).
Molecular consequence: splice donor variant.
Genome position (GRCh38, 1-based): chr14:95,103,345, C deleted on the plus strand (G on the coding strand, the reverse complement: DICER1 is on the minus strand); the first of 2 consecutive C bases (chr14:95,103,345-95,103,346); deleting either gives the same sequence. VCF-style (leftmost placement, unchanged base first): chr14-95103344-AC-A. GRCh37 (hg19) VCF-style: chr14-95569681-AC-A.
Other names: c.4050+1del (NM_001291628.2, NM_030621.4, NM_001395677.1 and 12 more transcripts); c.3645+1del (NM_001395690.1, NM_001395687.1, NM_001395689.1 and 2 more transcripts); c.3768+1del (NM_001395686.1); c.3483+1del (NM_001395691.1); c.2367+1del (NM_001395697.1).
Identifiers: ClinVar variation 933071 (VCV000933071.3), dbSNP rs1891064076, ClinGen allele CA1139663708.
Genomic context (GRCh38, chr14:95,103,344, plus strand): 5'-TGCAAACCACTTTCAGGCACACTGAATAATTAACTGCTCAAAATAAAAAAATCATCTCTT[AC>A]CTTTTTGCTTCTCATATATGAAAGGCGGCCCTCATGCGCATCAGGGTAAGTGCAAAATAG-3'

ClinVar aggregate classification (germline): Pathogenic (1 of 4 stars; one submission).

Conditions:
DICER1-related tumor predisposition. Also called: DICER1-related pleuropulmonary blastoma cancer predisposition syndrome; DICER1 syndrome. Identifiers: Orphanet 284343, MedGen C3839822, MONDO:0100216.

Submission:

Foulkes Cancer Genetics LDI, Lady Davis Institute for Medical Research
Classification: Pathogenic for Pleuropulmonary blastoma. Last evaluated: 2019-07-01. Review status: criteria provided, single submitter. Criteria: ACMG Guidelines, 2015. Collection method: curation. Allele origin: germline. Affected: yes and no. Observed: 2 variant alleles.
Comment: ACMG criteria met: PVS1, PM2, PP4

Literature cited by the submitters: PubMed 21882293.